The following is an entry in ClinVar:

NM_001164508.2(NEB):c.8255_8256del (p.Asn2752fs)

Gene: NEB (nebulin; minus strand). Cytogenetic location: 2q23.3.
Variant type: Deletion.
Coding change: c.8255_8256del on transcript NM_001164508.2 (MANE Select); coding-DNA positions 8255 to 8256, 2 bases deleted (AT; older notation c.8255_8256delAT).
Protein change: p.Asn2752fs; shifts the reading frame from asparagine 2752.
Molecular consequence: frameshift variant.
Genome position (GRCh38, 1-based): chr2:151,642,774-151,642,775, AT deleted on the plus strand (AT on the coding strand, the reverse complement: NEB is on the minus strand). VCF-style (leftmost placement, unchanged base first): chr2-151642773-AAT-A. GRCh37 (hg19) VCF-style: chr2-152499287-AAT-A.
Other names: c.8255_8256del, p.Asn2752fs (NM_001164507.2, NM_001271208.2, NM_004543.5); short protein forms N2752fs.
Identifiers: ClinVar variation 5012559 (VCV005012559.1).

ClinVar aggregate classification (germline): Pathogenic (1 of 4 stars; one submission).

Conditions:
Nemaline myopathy 2 (NEM2). Also called: Nemaline myopathy 2, autosomal recessive. Identifiers: MedGen C1850569, MONDO:0009725, OMIM 256030.

Submission:

Myriad Genetics, Inc.
Classification: Pathogenic for Nemaline myopathy 2. Last evaluated: 2023-12-09. Review status: criteria provided, single submitter. Criteria: Myriad Autosomal Dominant, Autosomal Recessive and X-Linked Classification Criteria (2023). Collection method: clinical testing. Allele origin: unknown.
Comment: NM_001271208.1(NEB):c.8255_8256delAT(N2752Ifs*3) is expected to be pathogenic in the context of NEB-related nemaline myopathy. This variant is predicted to lead to an abnormal or absent protein product due to the creation of a premature termination codon in NEB, a gene where loss-of-function variants are known to be pathogenic. Please note: this variant was assessed in the context of healthy population screening.